The following is an entry in ClinVar:

ClinVar aggregate classification (germline): Likely benign (0 of 4 stars; one submission).

Conditions:
ADCY3-related disorder. Also called: ADCY3-related condition.

gnomAD v4.1: 4 of 1,613,982 alleles (0.00025%); highest among the groups gnomAD compares: African/African-American, 0.0053%; no homozygotes.

Submission:

PreventionGenetics, part of Exact Sciences
Classification: Likely benign for ADCY3-related condition. Last evaluated: 2023-09-21. Review status: no assertion criteria provided. Collection method: clinical testing. Allele origin: germline.
Comment: This variant is classified as likely benign based on ACMG/AMP sequence variant interpretation guidelines (Richards et al. 2015 PMID: 25741868, with internal and published modifications).

NM_004036.5(ADCY3):c.3171G>A (p.Arg1057=)

Genes: ADCY3 (adenylate cyclase 3; minus strand), CENPO (centromere protein O; plus strand). Cytogenetic location: 2p23.3.
Variant type: single nucleotide variant.
Coding change: c.3171G>A on transcript NM_004036.5 (MANE Select); coding-DNA position 3171, G replaced by A.
Protein change: p.Arg1057=; no amino-acid change (arginine 1057 retained).
Molecular consequence: synonymous variant. On other transcripts: 3 prime UTR variant (3), non-coding transcript variant (3).
Genome position (GRCh38, 1-based): chr2:24,820,805, C>T on the plus strand (G>A on the coding strand, the complement: ADCY3 is on the minus strand). VCF-style: chr2-24820805-C-T. GRCh37 (hg19) VCF-style: chr2-25043674-C-T.
Other names: c.3174G>A, p.Arg1058= (NM_001320613.2); c.3237G>A, p.Arg1079= (NM_001377128.1); c.3033G>A, p.Arg1011= (NM_001377129.1); c.2619G>A, p.Arg873= (NM_001377130.1); c.2448G>A, p.Arg816= (NM_001377131.1); c.3171G>A, p.Arg1057= (NM_001377132.1); c.*1487C>T (NM_001199803.3, NM_001322101.2, NM_024322.4).
Identifiers: ClinVar variation 3349879 (VCV003349879.1).